The following is an entry in ClinVar:

ClinVar aggregate classification (germline): Uncertain significance (1 of 4 stars; one submission).

Conditions:
Familial cancer of breast. Also called: Hereditary breast cancer; BREAST CANCER, FAMILIAL; hereditary breast carcinoma. Identifiers: Orphanet 227535, MedGen C0346153, MONDO:0016419, OMIM 114480. Disease mechanism: loss of function.

Submission:

Labcorp Genetics (formerly Invitae), Labcorp
Classification: Uncertain significance for Familial cancer of breast. Last evaluated: 2020-03-29. Review status: criteria provided, single submitter. Criteria: Invitae Variant Classification Sherloc (09022015). Collection method: clinical testing. Allele origin: germline.
Comment: In summary, the available evidence is currently insufficient to determine the role of this variant in disease. Therefore, it has been classified as a Variant of Uncertain Significance. Nucleotide substitutions within the consensus splice site are a relatively common cause of aberrant splicing (PMID: 17576681, 9536098). Algorithms developed to predict the effect of sequence changes on RNA splicing suggest that this variant is not likely to affect RNA splicing, but this prediction has not been confirmed by published transcriptional studies. This variant has not been reported in the literature in individuals with CHEK2-related conditions. This variant is not present in population databases (ExAC no frequency). This sequence change falls in intron 5 of the CHEK2 gene. It does not directly change the encoded amino acid sequence of the CHEK2 protein, but it affects a nucleotide within the consensus splice site of the intron.

Literature cited by the submitters: PubMed 17576681; PubMed 9536098.

NM_007194.4(CHEK2):c.683+6T>C

Gene: CHEK2 (checkpoint kinase 2; minus strand). Cytogenetic location: 22q12.1.
Variant type: single nucleotide variant.
Coding change: c.683+6T>C on transcript NM_007194.4 (MANE Select); 6 bases into the intron after coding-DNA position 683, T replaced by C.
Molecular consequence: intron variant.
Genome position (GRCh38, 1-based): chr22:28,719,389, A>G on the plus strand (T>C on the coding strand, the complement: CHEK2 is on the minus strand). VCF-style: chr22-28719389-A-G. GRCh37 (hg19) VCF-style: chr22-29115377-A-G.
Other names: c.812+6T>C (NM_001438294.1, NM_001005735.3); c.20+6T>C (NM_001437942.1, NM_001257387.3); c.482+5497T>C (NM_001349956.3); c.683+6T>C (NM_145862.3); c.776+6T>C (NM_001438295.1, NM_001438293.1).
Identifiers: ClinVar variation 1060369 (VCV001060369.10), dbSNP rs757664495, ClinGen allele CA2499226087.